The following is an entry in ClinVar:

NM_001024613.4(FEZF1):c.1397T>G (p.Leu466Arg)

Gene: FEZF1 (FEZ family zinc finger 1; minus strand). Cytogenetic location: 7q31.32.
Variant type: single nucleotide variant.
Coding change: c.1397T>G on transcript NM_001024613.4 (MANE Select); coding-DNA position 1397, T replaced by G.
Protein change: p.Leu466Arg; replaces leucine 466 with arginine.
Molecular consequence: missense variant.
Genome position (GRCh38, 1-based): chr7:122,302,028, A>C on the plus strand (T>G on the coding strand, the complement: FEZF1 is on the minus strand). VCF-style: chr7-122302028-A-C. GRCh37 (hg19) VCF-style: chr7-121942082-A-C.
Other names: c.1247T>G, p.Leu416Arg (NM_001160264.3); short protein forms L466R, L416R.
Identifiers: ClinVar variation 2175971 (VCV002175971.5), dbSNP rs577039958, ClinGen allele CA4458786.
Genomic context (GRCh38, chr7:122,302,028, plus strand): 5'-GCTGAGGCTGGGAGGACCCTTAGCCTCGATCACTGGTGGCCCTGGTGGAGCCCGGGCTGC[A>C]GGGGCCCCGGGGTTGGCAGCGGCGGCTGCAGAGGAGGCAGCGTCATCGGCGGCTGCTGCG-3'
Protein context (NP_001019784.2, residues 456-475): LQPPLPTPGP[Leu466Arg]QPGLHQGHQ

ClinVar aggregate classification (germline): Uncertain significance. Review status: criteria provided, multiple submitters, no conflicts (2 of 4 stars). 2 submissions from 2 submitters: Uncertain significance (2). Last evaluated 2024-05-14.

Conditions:
Inborn genetic diseases. Identifiers: MedGen C0950123, MeSH D030342.

Allele frequency attached by ClinVar (database versions not stated): gnomAD exomes 0.00001; ExAC 0.00006; 1000 Genomes Project 0.00060; gnomAD 0.00015; TOPMed 0.00015; 1000 Genomes Project 30x 0.00047.

Submissions (2):

Ambry Genetics
Classification: Uncertain significance for Inborn genetic diseases. Last evaluated: 2024-05-14. Review status: criteria provided, single submitter. Criteria: Ambry Variant Classification Scheme 2023. Collection method: clinical testing. Allele origin: germline.

Labcorp Genetics (formerly Invitae), Labcorp
Classification: Uncertain significance. Last evaluated: 2022-02-28. Review status: criteria provided, single submitter. Criteria: Invitae Variant Classification Sherloc (09022015). Collection method: clinical testing. Allele origin: germline.
Comment: This variant has not been reported in the literature in individuals affected with FEZF1-related conditions. This variant is present in population databases (rs577039958, gnomAD 0.05%). This sequence change replaces leucine, which is neutral and non-polar, with arginine, which is basic and polar, at codon 466 of the FEZF1 protein (p.Leu466Arg). Algorithms developed to predict the effect of missense changes on protein structure and function are either unavailable or do not agree on the potential impact of this missense change (SIFT: "Tolerated"; PolyPhen-2: "Not Available"; Align-GVGD: "Class C0"). In summary, the available evidence is currently insufficient to determine the role of this variant in disease. Therefore, it has been classified as a Variant of Uncertain Significance.